The following is an entry in ClinVar:

NM_001145809.2(MYH14):c.4486C>G (p.Gln1496Glu)

Gene: MYH14 (myosin heavy chain 14; plus strand). Cytogenetic location: 19q13.33.
Variant type: single nucleotide variant.
Coding change: c.4486C>G on transcript NM_001145809.2 (MANE Select); coding-DNA position 4486, C replaced by G.
Protein change: p.Gln1496Glu; replaces glutamine 1496 with glutamic acid.
Molecular consequence: missense variant.
Genome position (GRCh38, 1-based): chr19:50,281,789, C>G. VCF-style: chr19-50281789-C-G. GRCh37 (hg19) VCF-style: chr19-50785046-C-G.
Other names: c.4387C>G, p.Gln1463Glu (NM_001077186.2); c.4363C>G, p.Gln1455Glu (NM_024729.4); c.4363C>G (NM_024729.3); short protein forms Q1496E, Q1463E, Q1455E.
Identifiers: ClinVar variation 179746 (VCV000179746.8), dbSNP rs141995460, ClinGen allele CA185056.

ClinVar aggregate classification (germline): Uncertain significance. Review status: criteria provided, multiple submitters, no conflicts (2 of 4 stars). 3 submissions from 3 submitters: Uncertain significance (3). Last evaluated 2025-08-06.

Conditions:
MYH14-related disorder. Also called: MYH14-related condition.
Inborn genetic diseases. Identifiers: MedGen C0950123, MeSH D030342.

Allele frequency attached by ClinVar (database versions not stated): gnomAD 0.00001; gnomAD exomes 0.00001 and 0.00003; ExAC 0.00003; TOPMed 0.00003; 1000 Genomes Project 30x 0.00016; 1000 Genomes Project 0.00020.
gnomAD v4.1: 12 of 1,612,688 alleles (0.00074%); highest among the groups gnomAD compares: Admixed American, 0.0067%; no homozygotes.

Submissions (3):

Ambry Genetics
Classification: Uncertain significance for Inborn genetic diseases. Last evaluated: 2025-08-06. Review status: criteria provided, single submitter. Criteria: Ambry Variant Classification Scheme 2023. Collection method: clinical testing. Allele origin: germline.

PreventionGenetics, part of Exact Sciences
Classification: Uncertain significance for MYH14-related condition. Last evaluated: 2025-07-25. Review status: criteria provided, single submitter. Criteria: ACMG Guidelines, 2015. Collection method: clinical testing. Allele origin: germline.
Comment: The MYH14 c.4486C>G variant is predicted to result in the amino acid substitution p.Gln1496Glu. To our knowledge, this variant has not been reported in the literature. This variant is reported in 0.012% of alleles in individuals of Latino descent in gnomAD. Although we suspect that this variant may be benign, at this time, the clinical significance of this variant is uncertain due to the absence of conclusive functional and genetic evidence.

Laboratory for Molecular Medicine, Mass General Brigham Personalized Medicine
Classification: Uncertain significance. Last evaluated: 2014-06-05. Review status: criteria provided, single submitter. Criteria: LMM Criteria. Collection method: clinical testing. Allele origin: germline. Observed: 1 variant allele.
Comment: The Gln1496Glu variant in MYH14 has not been previously reported in individuals with hearing loss, but it has been identified in 0.52% (1/192) of Luhya (Kenya) chromosomes by the 1000 Genomes Project (dbSNP rs141995460). Although this varia nt has been seen in the general population, its frequency is not high enough to rule out a pathogenic role. Computational prediction tools and conservation anal yses suggest that the Gln1496Glu variant may not impact the protein, though this information is not predictive enough to rule out pathogenicity. In summary, the clinical significance of the Gln1496Glu variant is uncertain.